The following is an entry in ClinVar:

NM_016648.4(LARP7):c.256G>A (p.Asp86Asn)

Gene: LARP7 (La ribonucleoprotein 7, transcriptional regulator; plus strand). Cytogenetic location: 4q25.
Variant type: single nucleotide variant.
Coding change: c.256G>A on transcript NM_016648.4 (MANE Select); coding-DNA position 256, G replaced by A.
Protein change: p.Asp86Asn; replaces aspartic acid 86 with asparagine.
Molecular consequence: missense variant.
Genome position (GRCh38, 1-based): chr4:112,646,404, G>A. VCF-style: chr4-112646404-G-A. GRCh37 (hg19) VCF-style: chr4-113567560-G-A.
Other names: c.256G>A, p.Asp86Asn (NM_001267039.4, NM_001370974.1, NM_001370975.1 and 6 more transcripts); c.19G>A, p.Asp7Asn (NM_001370981.1, NM_001370982.1); c.256G>A (NM_016648.2); short protein forms D7N, D86N.
Identifiers: ClinVar variation 1488839 (VCV001488839.6), dbSNP rs748028917, ClinGen allele CA3049002.

ClinVar aggregate classification (germline): Uncertain significance. Review status: criteria provided, multiple submitters, no conflicts (2 of 4 stars). 2 submissions from 2 submitters: Uncertain significance (2). Last evaluated 2025-11-04.

Conditions:
Inborn genetic diseases. Identifiers: MedGen C0950123, MeSH D030342.

Allele frequency attached by ClinVar (database versions not stated): ExAC 0.00002; gnomAD 0.00002 and 0.00003; gnomAD exomes 0.00002 and 0.00004; TOPMed 0.00002.
gnomAD v4.1: 43 of 1,605,330 alleles (0.0027%); highest among the groups gnomAD compares: Middle Eastern, 0.017%; no homozygotes.

Submissions (2):

Labcorp Genetics (formerly Invitae), Labcorp
Classification: Uncertain significance. Last evaluated: 2025-11-04. Review status: criteria provided, single submitter. Criteria: Invitae Variant Classification Sherloc (09022015). Collection method: clinical testing. Allele origin: germline.
Comment: This sequence change replaces aspartic acid, which is acidic and polar, with asparagine, which is neutral and polar, at codon 86 of the LARP7 protein (p.Asp86Asn). This variant is present in population databases (rs748028917, gnomAD 0.01%). This variant has not been reported in the literature in individuals affected with LARP7-related conditions. ClinVar contains an entry for this variant (Variation ID: 1488839). Invitae Evidence Modeling of protein sequence and biophysical properties (such as structural, functional, and spatial information, amino acid conservation, physicochemical variation, residue mobility, and thermodynamic stability) indicates that this missense variant is expected to disrupt LARP7 protein function with a positive predictive value of 80%. In summary, the available evidence is currently insufficient to determine the role of this variant in disease. Therefore, it has been classified as a Variant of Uncertain Significance.

Ambry Genetics
Classification: Uncertain significance for Inborn genetic diseases. Last evaluated: 2024-05-21. Review status: criteria provided, single submitter. Criteria: Ambry Variant Classification Scheme 2023. Collection method: clinical testing. Allele origin: germline.